The following is an entry in ClinVar:

ClinVar aggregate classification (germline): Uncertain significance (1 of 4 stars; one submission).

Submission:

Labcorp Genetics (formerly Invitae), Labcorp
Classification: Uncertain significance. Last evaluated: 2022-06-13. Review status: criteria provided, single submitter. Criteria: Invitae Variant Classification Sherloc (09022015). Collection method: clinical testing. Allele origin: germline.
Comment: In summary, the available evidence is currently insufficient to determine the role of this variant in disease. Therefore, it has been classified as a Variant of Uncertain Significance. Algorithms developed to predict the effect of missense changes on protein structure and function are either unavailable or do not agree on the potential impact of this missense change (SIFT: "Deleterious"; PolyPhen-2: "Probably Damaging"; Align-GVGD: "Class C15"). This variant has not been reported in the literature in individuals affected with TUB-related conditions. This variant is not present in population databases (gnomAD no frequency). This sequence change replaces glycine, which is neutral and non-polar, with arginine, which is basic and polar, at codon 446 of the TUB protein (p.Gly446Arg).

NM_177972.3(TUB):c.1171G>C (p.Gly391Arg)

Genes: RIC3 (RIC3 acetylcholine receptor chaperone; minus strand), TUB (TUB bipartite transcription factor; plus strand). Cytogenetic location: 11p15.4.
Variant type: single nucleotide variant.
Coding change: c.1171G>C on transcript NM_177972.3 (MANE Select); coding-DNA position 1171, G replaced by C.
Protein change: p.Gly391Arg; replaces glycine 391 with arginine.
Molecular consequence: missense variant.
Genome position (GRCh38, 1-based): chr11:8,100,557, G>C. VCF-style: chr11-8100557-G-C. GRCh37 (hg19) VCF-style: chr11-8122104-G-C.
Other names: c.1336G>C, p.Gly446Arg (NM_003320.5); short protein forms G446R, G391R.
Identifiers: ClinVar variation 1388747 (VCV001388747.6), dbSNP rs2133907130, ClinGen allele CA379571020.